The following is an entry in ClinVar:

NM_001458.5(FLNC):c.6296C>A (p.Thr2099Asn)

Genes: FLNC-AS1 (FLNC antisense RNA 1; minus strand), FLNC (filamin C; plus strand). Cytogenetic location: 7q32.1.
Variant type: single nucleotide variant.
Coding change: c.6296C>A on transcript NM_001458.5 (MANE Select); coding-DNA position 6296, C replaced by A.
Protein change: p.Thr2099Asn; replaces threonine 2099 with asparagine.
Molecular consequence: missense variant.
Genome position (GRCh38, 1-based): chr7:128,853,556, C>A. VCF-style: chr7-128853556-C-A. GRCh37 (hg19) VCF-style: chr7-128493610-C-A.
Other names: c.6197C>A, p.Thr2066Asn (NM_001127487.2); short protein forms T2066N, T2099N.
Identifiers: ClinVar variation 854226 (VCV000854226.11), dbSNP rs771090404, ClinGen allele CA4475936.

ClinVar aggregate classification (germline): Uncertain significance. Review status: criteria provided, multiple submitters, no conflicts (2 of 4 stars). 2 submissions from 2 submitters: Uncertain significance (2). Last evaluated 2025-10-07.

Conditions:
Myofibrillar myopathy 5. Also called: FILAMINOPATHY, AUTOSOMAL DOMINANT; Filaminopathy (type). Identifiers: Orphanet 171445, MedGen C1836050, MONDO:0012289, OMIM 609524.
Distal myopathy with posterior leg and anterior hand involvement. Also called: WILLIAMS DISTAL MYOPATHY. Identifiers: Orphanet 63273, MedGen C3279722, MONDO:0013550, OMIM 614065.
Hypertrophic cardiomyopathy 26. Also called: Cardiomyopathy, familial hypertrophic, 26. Identifiers: Orphanet 75249, MedGen C4310749, MONDO:0014883, OMIM 617047.
Cardiovascular phenotype. Identifiers: MedGen CN230736.

Allele frequency attached by ClinVar (database versions not stated): gnomAD below 0.00001 and 0.00001; ExAC 0.00001; gnomAD exomes 0.00001; TOPMed 0.00001.
gnomAD v4.1: 12 of 1,613,884 alleles (0.00074%); highest among the groups gnomAD compares: South Asian, 0.0099%; no homozygotes.

Submissions (2):

Labcorp Genetics (formerly Invitae), Labcorp
Classification: Uncertain significance for Distal myopathy with posterior leg and anterior hand involvement; Myofibrillar myopathy 5; Hypertrophic cardiomyopathy 26. Last evaluated: 2025-10-07. Review status: criteria provided, single submitter. Criteria: Invitae Variant Classification Sherloc (09022015). Collection method: clinical testing. Allele origin: germline.
Comment: This sequence change replaces threonine, which is neutral and polar, with asparagine, which is neutral and polar, at codon 2099 of the FLNC protein (p.Thr2099Asn). This variant is present in population databases (rs771090404, gnomAD 0.006%). This missense change has been observed in individuals with hypertrophic cardiomyopathy (PMID: 30411535). ClinVar contains an entry for this variant (Variation ID: 854226). Invitae Evidence Modeling of protein sequence and biophysical properties (such as structural, functional, and spatial information, amino acid conservation, physicochemical variation, residue mobility, and thermodynamic stability) has been performed for this missense variant. However, the output from this modeling did not meet the statistical confidence thresholds required to predict the impact of this variant on FLNC protein function. In summary, the available evidence is currently insufficient to determine the role of this variant in disease. Therefore, it has been classified as a Variant of Uncertain Significance.

Ambry Genetics
Classification: Uncertain significance for Cardiovascular phenotype. Last evaluated: 2024-02-07. Review status: criteria provided, single submitter. Criteria: Ambry Variant Classification Scheme 2023. Collection method: clinical testing. Allele origin: germline.
Comment: The p.T2099N variant (also known as c.6296C>A), located in coding exon 38 of the FLNC gene, results from a C to A substitution at nucleotide position 6296. The threonine at codon 2099 is replaced by asparagine, an amino acid with similar properties. This variant has been detected in individuals from a hypertrophic cardiomyopathy cohort (Cui H et al. Mol Genet Genomic Med, 2018 Nov;6:1104-1113). This amino acid position is well conserved in available vertebrate species. In addition, this alteration is predicted to be tolerated by in silico analysis. Based on the available evidence, the clinical significance of this alteration remains unclear.

Literature cited by the submitters: PubMed 30411535 (cited by Labcorp Genetics (formerly Invitae), Labcorp and Ambry Genetics).